The following is an entry in ClinVar:

NM_003001.5(SDHC):c.20+4066C>G

Gene: SDHC (succinate dehydrogenase complex subunit C; plus strand). Cytogenetic location: 1q23.3.
Variant type: single nucleotide variant.
Coding change: c.20+4066C>G on transcript NM_003001.5 (MANE Select); 4066 bases into the intron after coding-DNA position 20, C replaced by G.
Molecular consequence: intron variant.
Genome position (GRCh38, 1-based): chr1:161,318,491, C>G. VCF-style: chr1-161318491-C-G. GRCh37 (hg19) VCF-style: chr1-161288281-C-G.
Other names: c.-92+3617C>G (NM_001407119.1); c.-210+4066C>G (NM_001407120.1); c.20+4066C>G (NM_001407115.1, NM_001035511.3, NM_001035512.3 and 7 more transcripts).
Identifiers: ClinVar variation 2050513 (VCV002050513.6), dbSNP rs1670710360, ClinGen allele CA1008428437.

ClinVar aggregate classification (germline): Conflicting classifications of pathogenicity. Review status: criteria provided, conflicting classifications (1 of 4 stars). 2 submissions from 2 submitters: Pathogenic (1); Uncertain significance (1). Last evaluated 2025-05-23.

Conditions:
Pheochromocytoma/paraganglioma syndrome 3. Also called: GLOMUS TUMORS, FAMILIAL, 3; Paragangliomas 3; SDHC-Related Hereditary Paraganglioma-Pheochromocytoma Syndrome (Paragangliomas 3); SDHC-Related Hereditary Paraganglioma-Pheochromocytoma Syndrome. Identifiers: Orphanet 29072, MedGen C1854336, MONDO:0011544, OMIM 605373.
Gastrointestinal stromal tumor. Also called: Gastrointestinal stroma tumor; Gastrointestinal stromal tumor, somatic. Identifiers: Orphanet 44890, MedGen C0238198, MeSH D046152, MONDO:0011719, OMIM 606764, HP:0100723.
Hereditary cancer-predisposing syndrome. Also called: Hereditary neoplastic syndrome; Neoplastic Syndromes, Hereditary; Hereditary Cancer Syndrome; Tumor predisposition. Identifiers: Orphanet 140162, MedGen C0027672, MeSH D009386, MONDO:0015356.

Allele frequency attached by ClinVar (database versions not stated): gnomAD 0.00003; TOPMed 0.00003; 1000 Genomes Project 30x 0.00031.
gnomAD v4.1: 4 of 152,226 alleles (0.0026%); highest among the groups gnomAD compares: Admixed American, 0.02%; no homozygotes.

Submissions (2):

Ambry Genetics
Classification: Uncertain significance for Hereditary cancer-predisposing syndrome. Last evaluated: 2025-05-23. Review status: criteria provided, single submitter. Criteria: Ambry Variant Classification Scheme 2023. Collection method: clinical testing. Allele origin: germline.
Comment: The c.20+4066C>G intronic variant results from a C to G substitution 4066 nucleotides after coding exon 1 in the SDHC gene. This nucleotide position is not well conserved in available vertebrate species. In silico splice site analysis predicts that this alteration will result in the creation or strengthening of a novel splice donor site. RNA studies have demonstrated that this alteration results in a splice defect; the clinical impact of this abnormal splicing is unknown at this time (Ambry internal data). Based on the available evidence, the clinical significance of this variant remains unclear.

Labcorp Genetics (formerly Invitae), Labcorp
Classification: Pathogenic for Pheochromocytoma/paraganglioma syndrome 3; Gastrointestinal stromal tumor. Last evaluated: 2024-01-10. Review status: criteria provided, single submitter. Criteria: Invitae Variant Classification Sherloc (09022015). Collection method: clinical testing. Allele origin: germline.
Comment: This sequence change falls in intron 1 of the SDHC gene. It does not directly change the encoded amino acid sequence of the SDHC protein. RNA analysis indicates that this variant induces altered splicing and may result in an absent or disrupted protein product. This variant is not present in population databases (gnomAD no frequency). This variant has not been reported in the literature in individuals affected with SDHC-related conditions. ClinVar contains an entry for this variant (Variation ID: 2050513). Studies have shown that this variant results in partial intron inclusion and introduces a premature termination codon (Invitae). The resulting mRNA is expected to undergo nonsense-mediated decay. For these reasons, this variant has been classified as Pathogenic.